The following is an entry in ClinVar:

ClinVar aggregate classification (germline): Pathogenic/Likely pathogenic. Review status: criteria provided, multiple submitters, no conflicts (2 of 4 stars). 2 submissions from 2 submitters: Pathogenic (1); Likely pathogenic (1). Last evaluated 2022-07-14.

Conditions:
Baller-Gerold syndrome (BGS). Also called: CRANIOSYNOSTOSIS WITH RADIAL DEFECTS. Identifiers: Orphanet 1225, MedGen C0265308, MONDO:0009039, OMIM 218600.

Allele frequency attached by ClinVar (database versions not stated): gnomAD exomes below 0.00001; gnomAD 0.00001; TOPMed 0.00001.

Submissions (2):

Labcorp Genetics (formerly Invitae), Labcorp
Classification: Pathogenic for Baller-Gerold syndrome. Last evaluated: 2022-07-14. Review status: criteria provided, single submitter. Criteria: Invitae Variant Classification Sherloc (09022015). Collection method: clinical testing. Allele origin: germline.
Comment: For these reasons, this variant has been classified as Pathogenic. ClinVar contains an entry for this variant (Variation ID: 423196). This variant has not been reported in the literature in individuals affected with RECQL4-related conditions. This variant is not present in population databases (gnomAD no frequency). This sequence change creates a premature translational stop signal (p.Ser251Thrfs*42) in the RECQL4 gene. It is expected to result in an absent or disrupted protein product. Loss-of-function variants in RECQL4 are known to be pathogenic (PMID: 12734318, 12952869).

GeneDx
Classification: Likely pathogenic. Last evaluated: 2019-07-10. Review status: criteria provided, single submitter. Criteria: GeneDx Variant Classification Process June 2021. Collection method: clinical testing. Allele origin: germline. Affected: yes.
Comment: Frameshift variant predicted to result in protein truncation or nonsense mediated decay in a gene for which loss-of-function is a known mechanism of disease; Not observed in large population cohorts (Lek et al., 2016); Has not been previously published as pathogenic or benign to our knowledge

Literature cited by the submitters: PubMed 12734318 (cited by Labcorp Genetics (formerly Invitae), Labcorp); PubMed 12952869 (cited by Labcorp Genetics (formerly Invitae), Labcorp).

NM_004260.4(RECQL4):c.752del (p.Ser251fs)

Gene: RECQL4 (RecQ like helicase 4; minus strand). Cytogenetic location: 8q24.3.
Variant type: Deletion.
Coding change: c.752del on transcript NM_004260.4 (MANE Select); coding-DNA position 752, one base deleted (G; older notation c.752delG).
Protein change: p.Ser251fs; shifts the reading frame from serine 251.
Molecular consequence: frameshift variant.
Genome position (GRCh38, 1-based): chr8:144,516,367, C deleted on the plus strand (G on the coding strand, the reverse complement: RECQL4 is on the minus strand). VCF-style (leftmost placement, unchanged base first): chr8-144516366-GC-G. GRCh37 (hg19) VCF-style: chr8-145741750-GC-G.
Other names: c.752delG (NM_004260.3); short protein forms S251fs.
Identifiers: ClinVar variation 423196 (VCV000423196.10), dbSNP rs1064796290, ClinGen allele CA16618614.